The following is an entry in ClinVar:

ClinVar aggregate classification (germline): Likely benign (1 of 4 stars; one submission).

Allele frequency attached by ClinVar (database versions not stated): gnomAD exomes 0.00095; gnomAD 0.00494; 1000 Genomes Project 0.00539; TOPMed 0.00555; 1000 Genomes Project 30x 0.00578.

Submission:

GeneDx
Classification: Likely benign. Last evaluated: 2021-04-09. Review status: criteria provided, single submitter. Criteria: GeneDx Variant Classification Process June 2021. Collection method: clinical testing. Allele origin: germline. Affected: yes.
Comment: See Variant Classification Assertion Criteria.

NM_030780.5(SLC25A32):c.306-78G>A

Gene: SLC25A32 (solute carrier family 25 member 32; minus strand). Cytogenetic location: 8q22.3.
Variant type: single nucleotide variant.
Coding change: c.306-78G>A on transcript NM_030780.5 (MANE Select); 78 bases into the intron before coding-DNA position 306, G replaced by A.
Molecular consequence: intron variant.
Genome position (GRCh38, 1-based): chr8:103,404,939, C>T on the plus strand (G>A on the coding strand, the complement: SLC25A32 is on the minus strand). VCF-style: chr8-103404939-C-T. GRCh37 (hg19) VCF-style: chr8-104417167-C-T.
Identifiers: ClinVar variation 1707402 (VCV001707402.2), dbSNP rs79444559, ClinGen allele CA182559195.